The following is an entry in ClinVar:

NM_005228.5(EGFR):c.2138A>G (p.Lys713Arg)

Gene: EGFR (epidermal growth factor receptor; plus strand). Cytogenetic location: 7p11.2.
Variant type: single nucleotide variant.
Coding change: c.2138A>G on transcript NM_005228.5 (MANE Select); coding-DNA position 2138, A replaced by G.
Protein change: p.Lys713Arg; replaces lysine 713 with arginine.
Molecular consequence: missense variant.
Genome position (GRCh38, 1-based): chr7:55,173,997, A>G. VCF-style: chr7-55173997-A-G. GRCh37 (hg19) VCF-style: chr7-55241690-A-G.
Other names: c.2003A>G, p.Lys668Arg (NM_001346897.2, NM_001346899.2); c.2138A>G, p.Lys713Arg (NM_001346898.2); c.1979A>G, p.Lys660Arg (NM_001346900.2); c.1337A>G, p.Lys446Arg (NM_001346941.2); short protein forms K446R, K660R, K713R, K668R.
Identifiers: ClinVar variation 1908907 (VCV001908907.6), dbSNP rs373578289, ClinGen allele CA158931910.

ClinVar aggregate classification (germline): Uncertain significance. Review status: criteria provided, multiple submitters, no conflicts (2 of 4 stars). 2 submissions from 2 submitters: Uncertain significance (2). Last evaluated 2025-02-14.

Conditions:
EGFR-related lung cancer (EGFR). Identifiers: MedGen CN130014.
Hereditary cancer-predisposing syndrome. Also called: Neoplastic Syndromes, Hereditary; Hereditary Cancer Syndrome; Tumor predisposition; Hereditary neoplastic syndrome. Identifiers: Orphanet 140162, MedGen C0027672, MeSH D009386, MONDO:0015356.

gnomAD v4.1: 1 of 1,614,240 alleles (0.000062%); highest among the groups gnomAD compares: Non-Finnish European, 0.000085%; no homozygotes.

Submissions (2):

Ambry Genetics
Classification: Uncertain significance for Hereditary cancer-predisposing syndrome. Last evaluated: 2025-02-14. Review status: criteria provided, single submitter. Criteria: Ambry Variant Classification Scheme 2023. Collection method: clinical testing. Allele origin: germline.
Comment: The p.K713R variant (also known as c.2138A>G), located in coding exon 18 of the EGFR gene, results from an A to G substitution at nucleotide position 2138. The lysine at codon 713 is replaced by arginine, an amino acid with highly similar properties. This amino acid position is highly conserved in available vertebrate species. In addition, this alteration is predicted to be tolerated by in silico analysis. Based on the available evidence, the clinical significance of this variant remains unclear.

Labcorp Genetics (formerly Invitae), Labcorp
Classification: Uncertain significance for EGFR-related lung cancer. Last evaluated: 2023-08-10. Review status: criteria provided, single submitter. Criteria: Invitae Variant Classification Sherloc (09022015). Collection method: clinical testing. Allele origin: germline.
Comment: This variant has not been reported in the literature in individuals affected with EGFR-related conditions. ClinVar contains an entry for this variant (Variation ID: 1908907). Advanced modeling of protein sequence and biophysical properties (such as structural, functional, and spatial information, amino acid conservation, physicochemical variation, residue mobility, and thermodynamic stability) performed at Invitae indicates that this missense variant is not expected to disrupt EGFR protein function. In summary, the available evidence is currently insufficient to determine the role of this variant in disease. Therefore, it has been classified as a Variant of Uncertain Significance. This variant is not present in population databases (gnomAD no frequency). This sequence change replaces lysine, which is basic and polar, with arginine, which is basic and polar, at codon 713 of the EGFR protein (p.Lys713Arg).